The following is an entry in ClinVar:

NM_005445.4(SMC3):c.3563G>C (p.Gly1188Ala)

Gene: SMC3 (structural maintenance of chromosomes 3; plus strand). Cytogenetic location: 10q25.2.
Variant type: single nucleotide variant.
Coding change: c.3563G>C on transcript NM_005445.4 (MANE Select); coding-DNA position 3563, G replaced by C.
Protein change: p.Gly1188Ala; replaces glycine 1188 with alanine.
Molecular consequence: missense variant.
Genome position (GRCh38, 1-based): chr10:110,603,271, G>C. VCF-style: chr10-110603271-G-C. GRCh37 (hg19) VCF-style: chr10-112363029-G-C.
Other names: short protein forms G1188A.
Identifiers: ClinVar variation 3780984 (VCV003780984.2).

ClinVar aggregate classification (germline): Uncertain significance (1 of 4 stars; one submission).

Submission:

GeneDx
Classification: Uncertain significance. Last evaluated: 2025-09-17. Review status: criteria provided, single submitter. Criteria: GeneDx Variant Classification Process June 2021. Collection method: clinical testing. Allele origin: germline. Affected: yes.
Comment: Reported de novo in a proband with a developmental disorder; however, proband specific clinical information was not provided (PMID: 28135719); Not observed at significant frequency in large population cohorts (gnomAD); In silico analysis supports that this missense variant has a deleterious effect on protein structure/function; This variant is associated with the following publications: (PMID: 31785789, 28191890, 33057194, 35982159, 36358993, 28135719)